The following is an entry in ClinVar:

NM_001378452.1(ITPR1):c.979C>T (p.Leu327=)

Gene: ITPR1 (inositol 1,4,5-trisphosphate receptor type 1; plus strand). Cytogenetic location: 3p26.1.
Variant type: single nucleotide variant.
Coding change: c.979C>T on transcript NM_001378452.1 (MANE Select); coding-DNA position 979, C replaced by T.
Protein change: p.Leu327=; no amino-acid change (leucine 327 retained).
Molecular consequence: synonymous variant. On other transcripts: intron variant (2).
Genome position (GRCh38, 1-based): chr3:4,653,869, C>T. VCF-style: chr3-4653869-C-T. GRCh37 (hg19) VCF-style: chr3-4695553-C-T.
Other names: c.979C>T, p.Leu327= (NM_001099952.4); c.951+1651C>T (NM_001168272.2, NM_002222.7).
Identifiers: ClinVar variation 3345453 (VCV003345453.1).

ClinVar aggregate classification (germline): Likely benign (0 of 4 stars; one submission).

Conditions:
ITPR1-related disorder. Also called: ITPR1-related condition.

gnomAD v4.1: 1 of 1,610,956 alleles (0.000062%); highest among the groups gnomAD compares: Non-Finnish European, 0.000085%; no homozygotes.

Submission:

PreventionGenetics, part of Exact Sciences
Classification: Likely benign for ITPR1-related condition. Last evaluated: 2024-04-04. Review status: no assertion criteria provided. Collection method: clinical testing. Allele origin: germline.
Comment: This variant is classified as likely benign based on ACMG/AMP sequence variant interpretation guidelines (Richards et al. 2015 PMID: 25741868, with internal and published modifications).